The following is an entry in ClinVar:

ClinVar aggregate classification (germline): Likely benign. Review status: criteria provided, multiple submitters, no conflicts (2 of 4 stars). 3 submissions from 3 submitters: Likely benign (3). Last evaluated 2025-09-08.

Conditions:
Cardiovascular phenotype. Identifiers: MedGen CN230736.
Dilated cardiomyopathy 1HH (CMD1HH). Identifiers: Orphanet 154, MedGen C3151293, MONDO:0013479, OMIM 613881.
Myofibrillar myopathy 6. Identifiers: Orphanet 199340, MedGen C2751831, MONDO:0013061, OMIM 612954.

Allele frequency attached by ClinVar (database versions not stated): gnomAD exomes below 0.00001 and 0.00001; ExAC 0.00001; gnomAD 0.00001; TOPMed 0.00002.
gnomAD v4.1: 19 of 1,613,734 alleles (0.0012%); highest among the groups gnomAD compares: East Asian, 0.0067%; no homozygotes.

Submissions (3):

Labcorp Genetics (formerly Invitae), Labcorp
Classification: Likely benign for Dilated cardiomyopathy 1HH; Myofibrillar myopathy 6. Last evaluated: 2025-09-08. Review status: criteria provided, single submitter. Criteria: Invitae Variant Classification Sherloc (09022015). Collection method: clinical testing. Allele origin: germline.

CeGaT Center for Human Genetics Tuebingen
Classification: Likely benign. Last evaluated: 2022-10-01. Review status: criteria provided, single submitter. Criteria: CeGaT Center For Human Genetics Tuebingen Variant Classification Criteria Version 2. Collection method: clinical testing. Allele origin: germline. Affected: yes. Observed: 1 variant allele.
Comment: BAG3: BP4, BP7

Ambry Genetics
Classification: Likely benign for Cardiovascular phenotype. Last evaluated: 2020-09-10. Review status: criteria provided, single submitter. Criteria: Ambry Variant Classification Scheme 2023. Collection method: clinical testing. Allele origin: germline.

NM_004281.4(BAG3):c.786G>A (p.Ala262=)

Gene: BAG3 (BAG cochaperone 3; plus strand). Cytogenetic location: 10q26.11.
Variant type: single nucleotide variant.
Coding change: c.786G>A on transcript NM_004281.4 (MANE Select); coding-DNA position 786, G replaced by A.
Protein change: p.Ala262=; no amino-acid change (alanine 262 retained).
Molecular consequence: synonymous variant.
Genome position (GRCh38, 1-based): chr10:119,672,533, G>A. VCF-style: chr10-119672533-G-A. GRCh37 (hg19) VCF-style: chr10-121432045-G-A.
Identifiers: ClinVar variation 960291 (VCV000960291.35), dbSNP rs775938242, ClinGen allele CA5716411.